The following is an entry in ClinVar:

ClinVar aggregate classification (germline): Pathogenic. Review status: criteria provided, single submitter (1 of 4 stars). 2 submissions from 2 submitters: Pathogenic (1). 1 of the submissions does not count toward it. Last evaluated 2023-10-13.

Conditions:
Methylmalonic aciduria due to methylmalonyl-CoA mutase deficiency (MAMM). Also called: Methylmalonic aciduria, mut type. Identifiers: Orphanet 27, MedGen C1855114, MONDO:0009612, OMIM 251000.

Allele frequency attached by ClinVar (database versions not stated): gnomAD exomes below 0.00001; ExAC 0.00001.
gnomAD v4.1: 2 of 1,613,408 alleles (0.00012%); highest among the groups gnomAD compares: East Asian, 0.0022%; no homozygotes.

Submissions (2):

Labcorp Genetics (formerly Invitae), Labcorp
Classification: Pathogenic. Last evaluated: 2023-10-13. Review status: criteria provided, single submitter. Criteria: Invitae Variant Classification Sherloc (09022015). Collection method: clinical testing. Allele origin: germline.
Comment: This sequence change creates a premature translational stop signal (p.Glu711*) in the MUT gene. While this is not anticipated to result in nonsense mediated decay, it is expected to disrupt the last 40 amino acid(s) of the MUT protein. The frequency data for this variant in the population databases is considered unreliable, as metrics indicate poor data quality at this position in the gnomAD database. This premature translational stop signal has been observed in individual(s) with methylmalonic aciduria (PMID: 31622506, 33413471). ClinVar contains an entry for this variant (Variation ID: 554041). Algorithms developed to predict the effect of sequence changes on RNA splicing suggest that this variant may disrupt the consensus splice site. This variant disrupts a region of the MUT protein in which other variant(s) (p.Gln734*) have been determined to be pathogenic (PMID: 26318470, 26615597, 27167370). This suggests that this is a clinically significant region of the protein, and that variants that disrupt it are likely to be disease-causing. For these reasons, this variant has been classified as Pathogenic.

Counsyl
Classification: Likely pathogenic for Methylmalonic aciduria due to methylmalonyl-CoA mutase deficiency. Last evaluated: 2017-10-06. Review status: no assertion criteria provided. Collection method: clinical testing. Allele origin: unknown. Not counted in ClinVar's aggregate classification.

Literature cited by the submitters: PubMed 31622506 (cited by Labcorp Genetics (formerly Invitae), Labcorp); PubMed 33413471 (cited by Labcorp Genetics (formerly Invitae), Labcorp); PubMed 26318470 (cited by Labcorp Genetics (formerly Invitae), Labcorp); PubMed 26615597 (cited by Labcorp Genetics (formerly Invitae), Labcorp); PubMed 27167370 (cited by Labcorp Genetics (formerly Invitae), Labcorp).

NM_000255.4(MMUT):c.2131G>T (p.Glu711Ter)

Gene: MMUT (methylmalonyl-CoA mutase; minus strand). Cytogenetic location: 6p12.3.
Variant type: single nucleotide variant.
Coding change: c.2131G>T on transcript NM_000255.4 (MANE Select); coding-DNA position 2131, G replaced by T.
Protein change: p.Glu711Ter; replaces glutamic acid 711 with a stop codon.
Molecular consequence: nonsense.
Genome position (GRCh38, 1-based): chr6:49,431,850, C>A on the plus strand (G>T on the coding strand, the complement: MMUT is on the minus strand). VCF-style: chr6-49431850-C-A. GRCh37 (hg19) VCF-style: chr6-49399563-C-A.
Other names: short protein forms E711*.
Identifiers: ClinVar variation 554041 (VCV000554041.5), dbSNP rs776176938, ClinGen allele CA3846640.